The following is an entry in ClinVar:

ClinVar aggregate classification (germline): Uncertain significance (1 of 4 stars; one submission).

gnomAD v4.1: 1 of 1,580,976 alleles (0.000063%); highest among the groups gnomAD compares: Non-Finnish European, 0.000086%; no homozygotes.

Submission:

Labcorp Genetics (formerly Invitae), Labcorp
Classification: Uncertain significance. Last evaluated: 2021-12-02. Review status: criteria provided, single submitter. Criteria: Invitae Variant Classification Sherloc (09022015). Collection method: clinical testing. Allele origin: germline.
Comment: This sequence change replaces isoleucine, which is neutral and non-polar, with threonine, which is neutral and polar, at codon 2924 of the PCLO protein (p.Ile2924Thr). This variant is not present in population databases (gnomAD no frequency). This variant has not been reported in the literature in individuals affected with PCLO-related conditions. Algorithms developed to predict the effect of missense changes on protein structure and function are either unavailable or do not agree on the potential impact of this missense change (SIFT: "Deleterious"; PolyPhen-2: "Not Available"; Align-GVGD: "Class C0"). In summary, the available evidence is currently insufficient to determine the role of this variant in disease. Therefore, it has been classified as a Variant of Uncertain Significance.

NM_033026.6(PCLO):c.8771T>C (p.Ile2924Thr)

Gene: PCLO (piccolo presynaptic cytomatrix protein; minus strand). Cytogenetic location: 7q21.11.
Variant type: single nucleotide variant.
Coding change: c.8771T>C on transcript NM_033026.6 (MANE Select); coding-DNA position 8771, T replaced by C.
Protein change: p.Ile2924Thr; replaces isoleucine 2924 with threonine.
Molecular consequence: missense variant.
Genome position (GRCh38, 1-based): chr7:82,952,182, A>G on the plus strand (T>C on the coding strand, the complement: PCLO is on the minus strand). VCF-style: chr7-82952182-A-G. GRCh37 (hg19) VCF-style: chr7-82581498-A-G.
Other names: c.8771T>C, p.Ile2924Thr (NM_014510.3); short protein forms I2924T.
Identifiers: ClinVar variation 1512744 (VCV001512744.8), dbSNP rs2116431886, ClinGen allele CA367910093.